The following is an entry in ClinVar:

ClinVar aggregate classification (germline): Uncertain significance (1 of 4 stars; one submission).

Conditions:
Immunodeficiency 35 (IMD35). Also called: Susceptibility to infection due to TYK2 deficiency; HIES WITH ATYPICAL MYCOBACTERIOSIS, AUTOSOMAL RECESSIVE; HYPER-IgE SYNDROME WITH ATYPICAL MYCOBACTERIOSIS, AUTOSOMAL RECESSIVE; TYK2 DEFICIENCY. Identifiers: Orphanet 331226, MedGen C1969086, MONDO:0012682, OMIM 611521.

gnomAD v4.1: 1 of 1,613,488 alleles (0.000062%); no homozygotes.

Submission:

Labcorp Genetics (formerly Invitae), Labcorp
Classification: Uncertain significance for Immunodeficiency 35. Last evaluated: 2025-12-26. Review status: criteria provided, single submitter. Criteria: Invitae Variant Classification Sherloc (09022015). Collection method: clinical testing. Allele origin: germline.
Comment: This sequence change replaces leucine, which is neutral and non-polar, with valine, which is neutral and non-polar, at codon 767 of the TYK2 protein (p.Leu767Val). This variant is not present in population databases (gnomAD no frequency). This variant has not been reported in the literature in individuals affected with TYK2-related conditions. Invitae Evidence Modeling of protein sequence and biophysical properties (such as structural, functional, and spatial information, amino acid conservation, physicochemical variation, residue mobility, and thermodynamic stability) indicates that this missense variant is not expected to disrupt TYK2 protein function with a negative predictive value of 80%. In summary, the available evidence is currently insufficient to determine the role of this variant in disease. Therefore, it has been classified as a Variant of Uncertain Significance.

NM_003331.5(TYK2):c.2299C>G (p.Leu767Val)

Gene: TYK2 (tyrosine kinase 2; minus strand). Cytogenetic location: 19p13.2.
Variant type: single nucleotide variant.
Coding change: c.2299C>G on transcript NM_003331.5 (MANE Select); coding-DNA position 2299, C replaced by G.
Protein change: p.Leu767Val; replaces leucine 767 with valine.
Molecular consequence: missense variant.
Genome position (GRCh38, 1-based): chr19:10,358,015, G>C on the plus strand (C>G on the coding strand, the complement: TYK2 is on the minus strand). VCF-style: chr19-10358015-G-C. GRCh37 (hg19) VCF-style: chr19-10468691-G-C.
Other names: c.2299C>G, p.Leu767Val (NM_001385197.1, NM_001385198.1, NM_001385200.1 and 3 more transcripts); c.2113C>G, p.Leu705Val (NM_001385199.1); c.2101C>G, p.Leu701Val (NM_001385201.1); c.2215C>G, p.Leu739Val (NM_001385202.1); c.2209C>G, p.Leu737Val (NM_001385205.1); c.2173C>G, p.Leu725Val (NM_001385206.1); c.2281C>G, p.Leu761Val (NM_001385207.1); short protein forms L705V, L739V, L701V, L725V, L737V, L761V, L767V.
Identifiers: ClinVar variation 4745048 (VCV004745048.1).